The following is an entry in ClinVar:

NM_000135.4(FANCA):c.2830G>A (p.Asp944Asn)

Gene: FANCA (FA complementation group A; minus strand). Cytogenetic location: 16q24.3.
Variant type: single nucleotide variant.
Coding change: c.2830G>A on transcript NM_000135.4 (MANE Select); coding-DNA position 2830, G replaced by A.
Protein change: p.Asp944Asn; replaces aspartic acid 944 with asparagine.
Molecular consequence: missense variant.
Genome position (GRCh38, 1-based): chr16:89,761,971, C>T on the plus strand (G>A on the coding strand, the complement: FANCA is on the minus strand). VCF-style: chr16-89761971-C-T. GRCh37 (hg19) VCF-style: chr16-89828379-C-T.
Other names: c.2830G>A, p.Asp944Asn (NM_001286167.3); short protein forms D944N.
Identifiers: ClinVar variation 1719161 (VCV001719161.5), dbSNP rs2544167954, ClinGen allele CA397433344.

ClinVar aggregate classification (germline): Uncertain significance (1 of 4 stars; one submission).

Conditions:
Fanconi anemia (FA). Also called: Fanconi's anemia. Identifiers: Orphanet 84, MedGen C0015625, MeSH D005199, MONDO:0019391.

Submission:

Labcorp Genetics (formerly Invitae), Labcorp
Classification: Uncertain significance for Fanconi anemia. Last evaluated: 2022-09-10. Review status: criteria provided, single submitter. Criteria: Invitae Variant Classification Sherloc (09022015). Collection method: clinical testing. Allele origin: germline.
Comment: In summary, the available evidence is currently insufficient to determine the role of this variant in disease. Therefore, it has been classified as a Variant of Uncertain Significance. This sequence change replaces aspartic acid, which is acidic and polar, with asparagine, which is neutral and polar, at codon 944 of the FANCA protein (p.Asp944Asn). This variant is not present in population databases (gnomAD no frequency). This variant has not been reported in the literature in individuals affected with FANCA-related conditions. Advanced modeling of protein sequence and biophysical properties (such as structural, functional, and spatial information, amino acid conservation, physicochemical variation, residue mobility, and thermodynamic stability) performed at Invitae indicates that this missense variant is expected to disrupt FANCA protein function.